The following is an entry in ClinVar:

ClinVar aggregate classification (germline): Likely benign. Review status: criteria provided, multiple submitters, no conflicts (2 of 4 stars). 2 submissions from 2 submitters: Likely benign (2). Last evaluated 2026-07-05.

Conditions:
Sulfite oxidase deficiency due to molybdenum cofactor deficiency type A. Also called: Molybdenum cofactor deficiency, complementation group A; Molybdenum Cofactor Deficiency A. Identifiers: Orphanet 308386, Orphanet 833, MedGen C1854988, MONDO:0009643, OMIM 252150.
MOCS1-related disorder. Also called: MOCS1-related condition.

Allele frequency attached by ClinVar (database versions not stated): TOPMed 0.00004; gnomAD 0.00002 and 0.00003; ExAC 0.00003; gnomAD exomes 0.00003 and 0.00004.
gnomAD v4.1: 43 of 1,612,670 alleles (0.0027%); highest among the groups gnomAD compares: South Asian, 0.018%; no homozygotes.

Submissions (2):

PreventionGenetics, part of Exact Sciences
Classification: Likely benign for MOCS1-related condition. Last evaluated: 2026-07-05. Review status: criteria provided, single submitter. Criteria: ACMG Guidelines, 2015. Collection method: clinical testing. Allele origin: germline.
Comment: This variant is classified as likely benign based on ACMG/AMP sequence variant interpretation guidelines (Richards et al. 2015 PMID: 25741868, with internal and published modifications).

Labcorp Genetics (formerly Invitae), Labcorp
Classification: Likely benign for Sulfite oxidase deficiency due to molybdenum cofactor deficiency type A. Last evaluated: 2024-06-05. Review status: criteria provided, single submitter. Criteria: Invitae Variant Classification Sherloc (09022015). Collection method: clinical testing. Allele origin: germline.

NM_001358530.2(MOCS1):c.174C>T (p.Ser58=)

Gene: MOCS1 (molybdenum cofactor synthesis 1; minus strand). Cytogenetic location: 6p21.2.
Variant type: single nucleotide variant.
Coding change: c.174C>T on transcript NM_001358530.2 (MANE Select); coding-DNA position 174, C replaced by T.
Protein change: p.Ser58=; no amino-acid change (serine 58 retained).
Molecular consequence: synonymous variant. On other transcripts: 5 prime UTR variant (1), intron variant (2).
Genome position (GRCh38, 1-based): chr6:39,927,405, G>A on the plus strand (C>T on the coding strand, the complement: MOCS1 is on the minus strand). VCF-style: chr6-39927405-G-A. GRCh37 (hg19) VCF-style: chr6-39895144-G-A.
Other names: c.174C>T (NM_005943.5); c.174C>T, p.Ser58= (NM_001075098.4, NM_001358529.2, NM_005943.6); c.-88C>T (NM_001358534.2); c.-11-1560C>T (NM_001358531.2, NM_001358533.2).
Identifiers: ClinVar variation 1103179 (VCV001103179.11), dbSNP rs776528157, ClinGen allele CA3796417.